The following is an entry in ClinVar:

NM_020822.3(KCNT1):c.158A>C (p.Lys53Thr)

Gene: KCNT1 (potassium sodium-activated channel subfamily T member 1; plus strand). Cytogenetic location: 9q34.3.
Variant type: single nucleotide variant.
Coding change: c.158A>C on transcript NM_020822.3 (MANE Select); coding-DNA position 158, A replaced by C.
Protein change: p.Lys53Thr; replaces lysine 53 with threonine.
Molecular consequence: missense variant. On other transcripts: intron variant (1).
Genome position (GRCh38, 1-based): chr9:135,714,624, A>C. VCF-style: chr9-135714624-A-C. GRCh37 (hg19) VCF-style: chr9-138606470-A-C.
Other names: c.110+12256A>C (NM_001272003.2); short protein forms K53T.
Identifiers: ClinVar variation 3758328 (VCV003758328.2).
Genomic context (GRCh38, chr9:135,714,624, plus strand): 5'-CGTGTGCCCGCAGGCGGCCCTGCGCGGGGGACGGCGCGCTCCTGGACACCGCCGGCTTCA[A>C]GATGAGCGACCTGGACTCCGAGGTGCTGCCCTTGCCGCCGCGCTACCGCTTCCGGGACCT-3'
Protein context (NP_065873.2, residues 43-63): DGALLDTAGF[Lys53Thr]MSDLDSEVLP

ClinVar aggregate classification (germline): Uncertain significance (1 of 4 stars; one submission).

Conditions:
Autosomal dominant nocturnal frontal lobe epilepsy 5. Also called: KCNT1-Related Epilepsy; CILIARY DYSKINESIA, PRIMARY, 28, WITHOUT SITUS INVERSUS; CILIARY DYSKINESIA, PRIMARY, 28, WITH SITUS INVERSUS; Epilepsy, nocturnal frontal lobe, 5. Identifiers: Orphanet 98784, MedGen C3554306, MONDO:0014002, OMIM 615005.
Developmental and epileptic encephalopathy, 14 (DEE14). Also called: Early infantile epileptic encephalopathy 14. Identifiers: Orphanet 293181, MedGen C3554195, MONDO:0013989, OMIM 614959.

gnomAD v4.1: 1 of 1,459,900 alleles (0.000068%); highest among the groups gnomAD compares: Admixed American, 0.002%; no homozygotes.

Submission:

Labcorp Genetics (formerly Invitae), Labcorp
Classification: Uncertain significance for Autosomal dominant nocturnal frontal lobe epilepsy 5; Developmental and epileptic encephalopathy, 14. Last evaluated: 2024-02-06. Review status: criteria provided, single submitter. Criteria: Invitae Variant Classification Sherloc (09022015). Collection method: clinical testing. Allele origin: germline.
Comment: This sequence change replaces lysine, which is basic and polar, with threonine, which is neutral and polar, at codon 53 of the KCNT1 protein (p.Lys53Thr). This variant is present in population databases (rs749961306, gnomAD 0.004%). This variant has not been reported in the literature in individuals affected with KCNT1-related conditions. Advanced modeling of protein sequence and biophysical properties (such as structural, functional, and spatial information, amino acid conservation, physicochemical variation, residue mobility, and thermodynamic stability) performed at Invitae indicates that this missense variant is not expected to disrupt KCNT1 protein function with a negative predictive value of 95%. In summary, the available evidence is currently insufficient to determine the role of this variant in disease. Therefore, it has been classified as a Variant of Uncertain Significance.